The following is an entry in ClinVar:

NM_001256545.2(MEGF10):c.1364G>A (p.Arg455His)

Gene: MEGF10 (multiple EGF like domains 10; plus strand). Cytogenetic location: 5q23.2.
Variant type: single nucleotide variant.
Coding change: c.1364G>A on transcript NM_001256545.2 (MANE Select); coding-DNA position 1364, G replaced by A.
Protein change: p.Arg455His; replaces arginine 455 with histidine.
Molecular consequence: missense variant.
Genome position (GRCh38, 1-based): chr5:127,419,178, G>A. VCF-style: chr5-127419178-G-A. GRCh37 (hg19) VCF-style: chr5-126754870-G-A.
Other names: c.1364G>A, p.Arg455His (NM_001308119.2, NM_001308121.2, NM_032446.3); short protein forms R455H.
Identifiers: ClinVar variation 665544 (VCV000665544.5), dbSNP rs144145310, ClinGen allele CA3391555.

ClinVar aggregate classification (germline): Uncertain significance (1 of 4 stars; one submission).

Conditions:
MEGF10-related myopathy (CMYO10A). Also called: Congenital myopathy 10A, severe variant. Identifiers: Orphanet 439212, MedGen C3280679, MONDO:0013731, OMIM 614399.

Allele frequency attached by ClinVar (database versions not stated): ExAC 0.00007; ESP Exome Variant Server 0.00008; gnomAD 0.00013; TOPMed 0.00014.
gnomAD v4.1: 81 of 1,613,988 alleles (0.005%); highest among the groups gnomAD compares: African/African-American, 0.033%; no homozygotes.

Submission:

Labcorp Genetics (formerly Invitae), Labcorp
Classification: Uncertain significance for MEGF10-related myopathy. Last evaluated: 2022-01-27. Review status: criteria provided, single submitter. Criteria: Invitae Variant Classification Sherloc (09022015). Collection method: clinical testing. Allele origin: germline.
Comment: This sequence change replaces arginine, which is basic and polar, with histidine, which is basic and polar, at codon 455 of the MEGF10 protein (p.Arg455His). This variant is present in population databases (rs144145310, gnomAD 0.03%). This variant has not been reported in the literature in individuals affected with MEGF10-related conditions. ClinVar contains an entry for this variant (Variation ID: 665544). Algorithms developed to predict the effect of missense changes on protein structure and function output the following: SIFT: "Tolerated"; PolyPhen-2: "Benign"; Align-GVGD: "Class C0". The histidine amino acid residue is found in multiple mammalian species, which suggests that this missense change does not adversely affect protein function. In summary, the available evidence is currently insufficient to determine the role of this variant in disease. Therefore, it has been classified as a Variant of Uncertain Significance.